The following is an entry in ClinVar:

ClinVar aggregate classification (germline): Uncertain significance. Review status: reviewed by expert panel (3 of 4 stars). 3 submissions from 3 submitters: Uncertain significance (1). 2 of the submissions do not count toward it. Last evaluated 2025-01-15.

Conditions:
Hereditary thrombocytopenia and hematologic cancer predisposition syndrome. Identifiers: Orphanet 71290, MedGen CN281654, MONDO:0011071.
Hereditary thrombocytopenia and hematological cancer predisposition syndrome associated with RUNX1. Also called: RUNX1 Familial Platelet Disorder with Associated Myeloid Malignancies; Familial Platelet Disorder with Propensity to Acute Myelogenous Leukemia; Familial thrombocytopenia with propensity to acute myelogenous leukemia; PLATELET DISORDER, ASPIRIN-LIKE. Identifiers: Orphanet 71290, MedGen C1832388, MeSH C563324, MONDO:0100083, OMIM 601399.
Inborn genetic diseases. Identifiers: MedGen C0950123, MeSH D030342.

Submissions (3):

ClinGen Myeloid Malignancy Variant Curation Expert Panel
Classification: Uncertain significance for Hereditary thrombocytopenia and hematologic cancer predisposition syndrome. Last evaluated: 2025-01-15. Review status: reviewed by expert panel. Criteria: ClinGen MyeloMalig ACMG Specifications v2. Collection method: curation. Allele origin: germline. Inheritance: Autosomal dominant inheritance.
Comment: NM_001754.5(RUNX1):c.1312G>A (p.Gly438Ser) is a missense variant which has a REVEL score < 0.50 (0.23), and a SpliceAI score ≤ 0.20 (0.0) (BP4). This variant is completely absent from all population databases with at least 20x coverage for RUNX1 (PM2_Supporting). In summary, the clinical significance of this variant is uncertain. ACMG/AMP criteria applied, as specified by the Myeloid Malignancy Variant Curation Expert Panel for RUNX1: BP4.

Ambry Genetics
Classification: Uncertain significance for Inborn genetic diseases. Last evaluated: 2026-02-06. Review status: criteria provided, single submitter. Criteria: Ambry Variant Classification Scheme 2023. Collection method: clinical testing. Allele origin: germline. Not counted in ClinVar's aggregate classification.
Comment: The p.G438S variant (also known as c.1312G>A), located in coding exon 8 of the RUNX1 gene, results from a G to A substitution at nucleotide position 1312. The glycine at codon 438 is replaced by serine, an amino acid with similar properties. This amino acid position is highly conserved in available vertebrate species. In addition, this alteration is predicted to be tolerated by in silico analysis. Based on the available evidence, the clinical significance of this variant remains unclear.

Labcorp Genetics (formerly Invitae), Labcorp
Classification: Uncertain significance for Hereditary thrombocytopenia and hematological cancer predisposition syndrome associated with RUNX1. Last evaluated: 2023-11-27. Review status: criteria provided, single submitter. Criteria: Invitae Variant Classification Sherloc (09022015). Collection method: clinical testing. Allele origin: germline. Not counted in ClinVar's aggregate classification.
Comment: This sequence change replaces glycine, which is neutral and non-polar, with serine, which is neutral and polar, at codon 438 of the RUNX1 protein (p.Gly438Ser). This variant is not present in population databases (gnomAD no frequency). This missense change has been observed in individual(s) with childhood acute lymphoblastic leukemia (PMID: 34166225). Advanced modeling of protein sequence and biophysical properties (such as structural, functional, and spatial information, amino acid conservation, physicochemical variation, residue mobility, and thermodynamic stability) has been performed at Invitae for this missense variant, however the output from this modeling did not meet the statistical confidence thresholds required to predict the impact of this variant on RUNX1 protein function. In summary, the available evidence is currently insufficient to determine the role of this variant in disease. Therefore, it has been classified as a Variant of Uncertain Significance.

Literature cited by the submitters: PubMed 34166225 (cited by Labcorp Genetics (formerly Invitae), Labcorp).

NM_001754.5(RUNX1):c.1312G>A (p.Gly438Ser)

Gene: RUNX1 (RUNX family transcription factor 1; minus strand). Cytogenetic location: 21q22.12.
Variant type: single nucleotide variant.
Coding change: c.1312G>A on transcript NM_001754.5 (MANE Select); coding-DNA position 1312, G replaced by A.
Protein change: p.Gly438Ser; replaces glycine 438 with serine.
Molecular consequence: missense variant.
Genome position (GRCh38, 1-based): chr21:34,792,266, C>T on the plus strand (G>A on the coding strand, the complement: RUNX1 is on the minus strand). VCF-style: chr21-34792266-C-T. GRCh37 (hg19) VCF-style: chr21-36164563-C-T.
Other names: NM_001754.5(RUNX1):c.1312G>A; p.Gly438Ser; c.1231G>A, p.Gly411Ser (NM_001001890.3); short protein forms G438S, G411S.
Identifiers: ClinVar variation 2995907 (VCV002995907.6), dbSNP rs1340631548, ClinGen allele CA410147412.